The following is an entry in ClinVar:

ClinVar aggregate classification (germline): Likely pathogenic (1 of 4 stars; one submission).

Conditions:
Glucose-6-phosphate transport defect (GSD1B). Also called: Glycogen Storage Disease Type Ib; GSD Ib. Identifiers: Orphanet 364, Orphanet 79259, MedGen C0268146, MONDO:0009288, OMIM 232220.

Submission:

Natera, Inc.
Classification: Likely pathogenic for Glycogen storage disease type Ib. Last evaluated: 2024-08-24. Review status: criteria provided, single submitter. Criteria: Natera Variant Classification Schema (03/2026). Collection method: clinical testing. Allele origin: germline.
Comment: The c.557T>C variant in SLC37A4 is a missense variant predicted to cause substitution of leucine to proline at amino acid 186. This variant is rare in the general population with a frequency below the threshold expected for the associated phenotype(s). This variant has been observed in one or more individuals affected with the associated recessive disease, as either homozygous or compound heterozygous with a second variant (PMID: 31508908). This variant has been identified in one or more affected individuals with a phenotype highly consistent with the associated gene (PMID: 31508908). Computational prediction algorithms indicate this variant is likely to affect gene or protein function. Given the available evidence, this variant is classified as Likely Pathogenic.

Literature cited by the submitters: PubMed 31508908.

NM_001164277.2(SLC37A4):c.557T>C (p.Leu186Pro)

Gene: SLC37A4 (solute carrier family 37 member 4; minus strand). Cytogenetic location: 11q23.3.
Variant type: single nucleotide variant.
Coding change: c.557T>C on transcript NM_001164277.2 (MANE Select); coding-DNA position 557, T replaced by C.
Protein change: p.Leu186Pro; replaces leucine 186 with proline.
Molecular consequence: missense variant.
Genome position (GRCh38, 1-based): chr11:119,027,696, A>G on the plus strand (T>C on the coding strand, the complement: SLC37A4 is on the minus strand). VCF-style: chr11-119027696-A-G. GRCh37 (hg19) VCF-style: chr11-118898406-A-G.
Other names: c.557T>C, p.Leu186Pro (NM_001164278.2, NM_001164280.2, NM_001467.6); c.338T>C, p.Leu113Pro (NM_001164279.2); short protein forms L113P, L186P.
Identifiers: ClinVar variation 4814675 (VCV004814675.1).
Genomic context (GRCh38, chr11:119,027,696, plus strand): 5'-CCCTCAGAGGGCATGGGGTCCAGGTTGCGGAGTCCAACATCAGCAGGTTCATTGTGGATG[A>G]GCAGGAGACAGAGGAAGGAGACAACCACACCACAGTGCCCCAGATAGGGCCAGCGTGCTG-3'
Protein context (NP_001157749.1, residues 176-196): CVVVSFLCLL[Leu186Pro]IHNEPADVGL